The following is an entry in ClinVar:

ClinVar aggregate classification (germline): Likely benign (1 of 4 stars; one submission).

Submission:

GeneDx
Classification: Likely benign. Last evaluated: 2021-06-17. Review status: criteria provided, single submitter. Criteria: GeneDx Variant Classification Process June 2021. Collection method: clinical testing. Allele origin: germline. Affected: yes.
Comment: See Variant Classification Assertion Criteria.

NC_000022.11:g.50628221_50628231del

Genes: ARSA (arylsulfatase A; minus strand), LOC130067887 (ATAC-STARR-seq lymphoblastoid silent region 14004; plus strand). Cytogenetic location: 22q13.33.
Variant type: Deletion.
Genome position: GRCh38 VCF-style: chr22-50628211-GGGGCCGGGGGC-G. GRCh37 (hg19) VCF-style: chr22-51066639-GGGGCCGGGGGC-G.
Identifiers: ClinVar variation 2662409 (VCV002662409.1), dbSNP rs1209763921, ClinGen allele CA640051747.